The following is an entry in ClinVar:

NM_144997.7(FLCN):c.810C>T (p.Thr270=)

Gene: FLCN (folliculin; minus strand). Cytogenetic location: 17p11.2.
Variant type: single nucleotide variant.
Coding change: c.810C>T on transcript NM_144997.7 (MANE Select); coding-DNA position 810, C replaced by T.
Protein change: p.Thr270=; no amino-acid change (threonine 270 retained).
Molecular consequence: synonymous variant.
Genome position (GRCh38, 1-based): chr17:17,221,598, G>A on the plus strand (C>T on the coding strand, the complement: FLCN is on the minus strand). VCF-style: chr17-17221598-G-A. GRCh37 (hg19) VCF-style: chr17-17124912-G-A.
Other names: c.810C>T (LRG_325t1, NM_144997.6); c.864C>T, p.Thr288= (NM_001353229.2); c.810C>T, p.Thr270= (NM_001353230.2, NM_001353231.2, NM_144606.7).
Identifiers: ClinVar variation 460633 (VCV000460633.17), dbSNP rs372342796, ClinGen allele CA8416284.

ClinVar aggregate classification (germline): Benign/Likely benign. Review status: criteria provided, multiple submitters, no conflicts (2 of 4 stars). 4 submissions from 4 submitters: Benign (1); Likely benign (3). Last evaluated 2026-01-26.

Conditions:
Birt-Hogg-Dube syndrome 1 (BHD1). Also called: FIBROFOLLICULOMAS WITH TRICHODISCOMAS AND ACROCHORDONS. Identifiers: Orphanet 122, MedGen CN375946, MONDO:0800445, OMIM 135150.
Hereditary cancer-predisposing syndrome. Also called: Hereditary neoplastic syndrome; Neoplastic Syndromes, Hereditary; Tumor predisposition; Hereditary Cancer Syndrome. Identifiers: Orphanet 140162, MedGen C0027672, MeSH D009386, MONDO:0015356.
Birt-Hogg-Dube syndrome. Also called: Birt Hogg Dubé syndrome. Identifiers: Orphanet 122, MedGen C0346010, MONDO:0800444.

Allele frequency attached by ClinVar (database versions not stated): ESP Exome Variant Server 0.00008; 1000 Genomes Project 30x 0.00016; 1000 Genomes Project 0.00020.
gnomAD v4.1: 7 of 1,610,028 alleles (0.00043%); highest among the groups gnomAD compares: East Asian, 0.0045%; no homozygotes.

Submissions (4):

Labcorp Genetics (formerly Invitae), Labcorp
Classification: Likely benign for Birt-Hogg-Dube syndrome. Last evaluated: 2026-01-26. Review status: criteria provided, single submitter. Criteria: Invitae Variant Classification Sherloc (09022015). Collection method: clinical testing. Allele origin: germline.

Quest Diagnostics Nichols Institute San Juan Capistrano
Classification: Likely benign. Last evaluated: 2025-11-03. Review status: criteria provided, single submitter. Criteria: Quest Diagnostics criteria. Collection method: clinical testing. Allele origin: unknown.

Myriad Genetics, Inc.
Classification: Benign for Birt-Hogg-Dube syndrome 1. Last evaluated: 2024-10-23. Review status: criteria provided, single submitter. Criteria: Myriad Autosomal Dominant, Autosomal Recessive and X-Linked Classification Criteria (2023). Collection method: clinical testing. Allele origin: unknown.
Comment: This variant is considered benign. This variant is a silent/synonymous amino acid change and it is not expected to impact splicing.

Ambry Genetics
Classification: Likely benign for Hereditary cancer-predisposing syndrome. Last evaluated: 2018-07-11. Review status: criteria provided, single submitter. Criteria: Ambry Variant Classification Scheme 2023. Collection method: clinical testing. Allele origin: germline.